The following is an entry in ClinVar:

ClinVar aggregate classification (germline): Likely pathogenic (1 of 4 stars; one submission).

Conditions:
Telangiectasia, hereditary hemorrhagic, type 2 (HHT2). Also called: ACVRL1-Related Hereditary Hemorrhagic Telangiectasia; Telangiectasia, hereditary hemorrhagic, type II. Identifiers: Orphanet 774, MedGen C1838163, MONDO:0010880, OMIM 600376. Disease mechanism: loss of function.

Submission:

Labcorp Genetics (formerly Invitae), Labcorp
Classification: Likely pathogenic for Telangiectasia, hereditary hemorrhagic, type 2. Last evaluated: 2026-01-14. Review status: criteria provided, single submitter. Criteria: Invitae Variant Classification Sherloc (09022015). Collection method: clinical testing. Allele origin: germline.
Comment: This sequence change replaces tryptophan, which is neutral and slightly polar, with arginine, which is basic and polar, at codon 406 of the ACVRL1 protein (p.Trp406Arg). This variant is not present in population databases (gnomAD no frequency). This variant has not been reported in the literature in individuals affected with ACVRL1-related conditions. Invitae Evidence Modeling of protein sequence and biophysical properties (such as structural, functional, and spatial information, amino acid conservation, physicochemical variation, residue mobility, and thermodynamic stability) indicates that this missense variant is expected to disrupt ACVRL1 protein function with a positive predictive value of 95%. This variant disrupts the p.Trp406 amino acid residue in ACVRL1. Other variant(s) that disrupt this residue have been determined to be pathogenic (PMID: 15517393, 16429404, 23124896; internal data). This suggests that this residue is clinically significant, and that variants that disrupt this residue are likely to be disease-causing. In summary, the currently available evidence indicates that the variant is pathogenic, but additional data are needed to prove that conclusively. Therefore, this variant has been classified as Likely Pathogenic.

Literature cited by the submitters: PubMed 15517393; PubMed 16429404; PubMed 23124896.

NM_000020.3(ACVRL1):c.1216T>A (p.Trp406Arg)

Gene: ACVRL1 (activin A receptor like type 1; plus strand). Cytogenetic location: 12q13.13.
Variant type: single nucleotide variant.
Coding change: c.1216T>A on transcript NM_000020.3 (MANE Select); coding-DNA position 1216, T replaced by A.
Protein change: p.Trp406Arg; replaces tryptophan 406 with arginine.
Molecular consequence: missense variant. On other transcripts: intron variant (1).
Genome position (GRCh38, 1-based): chr12:51,916,203, T>A. VCF-style: chr12-51916203-T-A. GRCh37 (hg19) VCF-style: chr12-52309987-T-A.
Other names: c.1216T>A, p.Trp406Arg (NM_001077401.2, NM_001406487.1, NM_001406488.1 and 1 more transcripts); c.904T>A, p.Trp302Arg (NM_001406490.1, NM_001406493.1, NM_001406491.1 and 1 more transcripts); c.652T>A, p.Trp218Arg (NM_001406495.1); c.736+703T>A (NM_001406494.1); short protein forms W218R, W302R, W406R.
Identifiers: ClinVar variation 4801298 (VCV004801298.1).
Genomic context (GRCh38, chr12:51,916,203, plus strand): 5'-CGCACGGACTGCTTTGAGTCCTACAAGTGGACTGACATCTGGGCCTTTGGCCTGGTGCTG[T>A]GGGAGATTGCCCGCCGGACCATCGTGAATGGTGAGGGCCCACCCTACACAGGGTAGGGAA-3'
Protein context (NP_000011.2, residues 396-416): TDIWAFGLVL[Trp406Arg]EIARRTIVNG